The following is an entry in ClinVar:

ClinVar aggregate classification (germline): Likely benign (1 of 4 stars; one submission).

Conditions:
MYO1E-related disorder. Also called: MYO1E-related condition.

gnomAD v4.1: 9 of 1,614,158 alleles (0.00056%); highest among the groups gnomAD compares: Admixed American, 0.015%; no homozygotes.

Submission:

PreventionGenetics, part of Exact Sciences
Classification: Likely benign for MYO1E-related condition. Last evaluated: 2026-05-15. Review status: criteria provided, single submitter. Criteria: ACMG Guidelines, 2015. Collection method: clinical testing. Allele origin: germline.
Comment: This variant is classified as likely benign based on ACMG/AMP sequence variant interpretation guidelines (Richards et al. 2015 PMID: 25741868, with internal and published modifications).

NM_004998.4(MYO1E):c.2448C>A (p.Ile816=)

Gene: MYO1E (myosin IE; minus strand). Cytogenetic location: 15q22.2.
Variant type: single nucleotide variant.
Coding change: c.2448C>A on transcript NM_004998.4 (MANE Select); coding-DNA position 2448, C replaced by A.
Protein change: p.Ile816=; no amino-acid change (isoleucine 816 retained).
Molecular consequence: synonymous variant.
Genome position (GRCh38, 1-based): chr15:59,171,929, G>T on the plus strand (C>A on the coding strand, the complement: MYO1E is on the minus strand). VCF-style: chr15-59171929-G-T. GRCh37 (hg19) VCF-style: chr15-59464128-G-T.
Identifiers: ClinVar variation 4985843 (VCV004985843.1).